The following is an entry in ClinVar:

ClinVar aggregate classification (germline): Uncertain significance. Review status: criteria provided, multiple submitters, no conflicts (2 of 4 stars). 2 submissions from 2 submitters: Uncertain significance (2). Last evaluated 2022-12-14.

Conditions:
Cardiovascular phenotype. Identifiers: MedGen CN230736.
Catecholaminergic polymorphic ventricular tachycardia 1. Also called: VENTRICULAR TACHYCARDIA, STRESS-INDUCED POLYMORPHIC 1; RYR2-Related Catecholaminergic Polymorphic Ventricular Tachycardia; VENTRICULAR TACHYCARDIA, CATECHOLAMINERGIC POLYMORPHIC, 1, WITH OR WITHOUT ATRIAL DYSFUNCTION AND/OR DILATED CARDIOMYOPATHY. Identifiers: Orphanet 3286, MedGen C1631597, MONDO:0011484, OMIM 604772.

Submissions (2):

Ambry Genetics
Classification: Uncertain significance for Cardiovascular phenotype. Last evaluated: 2022-12-14. Review status: criteria provided, single submitter. Criteria: Ambry Variant Classification Scheme 2023. Collection method: clinical testing. Allele origin: germline.

Labcorp Genetics (formerly Invitae), Labcorp
Classification: Uncertain significance for Catecholaminergic polymorphic ventricular tachycardia 1. Last evaluated: 2019-06-14. Review status: criteria provided, single submitter. Criteria: Invitae Variant Classification Sherloc (09022015). Collection method: clinical testing. Allele origin: germline.
Comment: This sequence change replaces lysine with glutamic acid at codon 382 of the TRDN protein (p.Lys382Glu). The lysine residue is moderately conserved and there is a small physicochemical difference between lysine and glutamic acid. This variant is not present in population databases (ExAC no frequency). This variant has not been reported in the literature in individuals with TRDN-related conditions. Algorithms developed to predict the effect of missense changes on protein structure and function are either unavailable or do not agree on the potential impact of this missense change (SIFT: "Tolerated"; PolyPhen-2: "Probably Damaging"; Align-GVGD: "Class C0"). In summary, the available evidence is currently insufficient to determine the role of this variant in disease. Therefore, it has been classified as a Variant of Uncertain Significance.

NM_006073.4(TRDN):c.1144A>G (p.Lys382Glu)

Gene: TRDN (triadin; minus strand). Cytogenetic location: 6q22.31.
Variant type: single nucleotide variant.
Coding change: c.1144A>G on transcript NM_006073.4 (MANE Select); coding-DNA position 1144, A replaced by G.
Protein change: p.Lys382Glu; replaces lysine 382 with glutamic acid.
Molecular consequence: missense variant.
Genome position (GRCh38, 1-based): chr6:123,382,139, T>C on the plus strand (A>G on the coding strand, the complement: TRDN is on the minus strand). VCF-style: chr6-123382139-T-C. GRCh37 (hg19) VCF-style: chr6-123703284-T-C.
Other names: c.1147A>G, p.Lys383Glu (NM_001251987.2); c.1144A>G (NM_006073.2); short protein forms K382E, K383E.
Identifiers: ClinVar variation 952213 (VCV000952213.12), dbSNP rs1781747004, ClinGen allele CA365566775.